The following is an entry in ClinVar:

NM_000161.3(GCH1):c.27G>C (p.Pro9=)

Genes: GCH1 (GTP cyclohydrolase 1; minus strand), LOC130055692 (ATAC-STARR-seq lymphoblastoid silent region 5776; plus strand). Cytogenetic location: 14q22.2.
Variant type: single nucleotide variant.
Coding change: c.27G>C on transcript NM_000161.3 (MANE Select); coding-DNA position 27, G replaced by C.
Protein change: p.Pro9=; no amino-acid change (proline 9 retained).
Molecular consequence: synonymous variant.
Genome position (GRCh38, 1-based): chr14:54,902,637, C>G on the plus strand (G>C on the coding strand, the complement: GCH1 is on the minus strand). VCF-style: chr14-54902637-C-G. GRCh37 (hg19) VCF-style: chr14-55369355-C-G.
Other names: c.27G>C, p.Pro9= (NM_001024024.2, NM_001024070.2, NM_001024071.2).
Identifiers: ClinVar variation 1552714 (VCV001552714.32), dbSNP rs1361472755, ClinGen allele CA486659159.

ClinVar aggregate classification (germline): Likely benign. Review status: criteria provided, multiple submitters, no conflicts (2 of 4 stars). 2 submissions from 2 submitters: Likely benign (2). Last evaluated 2025-06-19.

Conditions:
Dystonia 5 (DRD). Also called: GTP Cyclohydrolase 1-Deficient Dopa-Responsive Dystonia; DYSTONIA, PROGRESSIVE, WITH DIURNAL VARIATION; DYSTONIA-PARKINSONISM WITH DIURNAL FLUCTUATION; Dystonia, DOPA-responsive, with or without hyperphenylalaninemia; DYT-GCH1. Identifiers: Orphanet 98808, MedGen C1851920, MONDO:0007495, OMIM 128230.
GTP cyclohydrolase I deficiency. Identifiers: MedGen C0268467, MONDO:0100184.

gnomAD v4.1: 10 of 1,484,024 alleles (0.00067%); highest among the groups gnomAD compares: Non-Finnish European, 0.00089%; no homozygotes.

Submissions (2):

Labcorp Genetics (formerly Invitae), Labcorp
Classification: Likely benign for GTP cyclohydrolase I deficiency; Dystonia 5. Last evaluated: 2025-06-19. Review status: criteria provided, single submitter. Criteria: Invitae Variant Classification Sherloc (09022015). Collection method: clinical testing. Allele origin: germline.

CeGaT Center for Human Genetics Tuebingen
Classification: Likely benign. Last evaluated: 2023-04-01. Review status: criteria provided, single submitter. Criteria: CeGaT Center For Human Genetics Tuebingen Variant Classification Criteria Version 2. Collection method: clinical testing. Allele origin: germline. Affected: yes. Observed: 1 variant allele.
Comment: GCH1: PM2:Supporting, BP4, BP7